The following is an entry in ClinVar:

ClinVar aggregate classification (germline): Likely benign (1 of 4 stars; one submission).

Allele frequency attached by ClinVar (database versions not stated): gnomAD exomes 0.00262; ExAC 0.00351; ESP Exome Variant Server 0.00369; TOPMed 0.00432; 1000 Genomes Project 0.00439; 1000 Genomes Project 30x 0.00484; gnomAD 0.00555.
gnomAD v4.1: 4,695 of 1,613,540 alleles (0.29%); highest among the groups gnomAD compares: African/African-American, 0.99%; 19 homozygotes.

Submission:

CeGaT Center for Human Genetics Tuebingen
Classification: Likely benign. Last evaluated: 2026-02-01. Review status: criteria provided, single submitter. Criteria: CeGaT Center For Human Genetics Tuebingen Variant Classification Criteria Version 2. Collection method: clinical testing. Allele origin: germline. Affected: yes. Observed: 2 variant alleles.
Comment: PCDHA2: BS2; PCDHA3: BS2; PCDHA5: BS2; PCDHA6: BS2; PCDHA7: BS2; PCDHA8: BS2; PCDHA9: BS2

NM_018908.3(PCDHA5):c.2352+45158A>C

Genes: PCDHA-AS1 (protocadherin alpha cluster antisense RNA 1; minus strand), PCDHA1 (protocadherin alpha 1; plus strand), PCDHA10 (protocadherin alpha 10; plus strand), PCDHA11 (protocadherin alpha 11; plus strand), PCDHA2 (protocadherin alpha 2; plus strand) and 8 more. Cytogenetic location: 5q31.3.
Variant type: single nucleotide variant.
Coding change: c.2352+45158A>C on transcript NM_018908.3 (MANE Select); 45158 bases into the intron after coding-DNA position 2352, A replaced by C.
Molecular consequence: intron variant. On other transcripts: non-coding transcript variant (1), missense variant (2).
Genome position (GRCh38, 1-based): chr5:140,869,285, A>C. VCF-style: chr5-140869285-A-C. GRCh37 (hg19) VCF-style: chr5-140248870-A-C.
Other names: c.182A>C, p.Gln61Pro (NM_018902.5, NM_031861.3); c.2394+80601A>C (NM_018900.4); c.1602+81393A>C (NM_031411.3); c.2388+71933A>C (NM_018905.3); c.2394+65694A>C (NM_018906.3); c.2385+59713A>C (NM_018907.4); c.2394+38800A>C (NM_018909.4); c.1602+39592A>C (NM_031849.3); and 5 more; short protein forms Q61P.
Identifiers: ClinVar variation 2655790 (VCV002655790.24), dbSNP rs201493000, ClinGen allele CA3451710.